The following is an entry in ClinVar:

NM_006031.6(PCNT):c.1996C>T (p.Arg666Trp)

Gene: PCNT (pericentrin; plus strand). Cytogenetic location: 21q22.3.
Variant type: single nucleotide variant.
Coding change: c.1996C>T on transcript NM_006031.6 (MANE Select); coding-DNA position 1996, C replaced by T.
Protein change: p.Arg666Trp; replaces arginine 666 with tryptophan.
Molecular consequence: missense variant.
Genome position (GRCh38, 1-based): chr21:46,357,033, C>T. VCF-style: chr21-46357033-C-T. GRCh37 (hg19) VCF-style: chr21-47776948-C-T.
Other names: c.1642C>T, p.Arg548Trp (NM_001315529.2); c.1996C>T (NM_006031.5); short protein forms R548W, R666W.
Identifiers: ClinVar variation 1378262 (VCV001378262.6), dbSNP rs774325418, ClinGen allele CA10078855.
Genomic context (GRCh38, chr21:46,357,033, plus strand): 5'-GAGCTTCCCTGGGTGCATCTCCAGGGTGTGCAGGACGGGGACTTGGAGGCCGACACAGAG[C>T]GGGCAGCCAGAGTCTTGGGTCTGGAAACTGAGCACAAGGTGCAACTTTCGCTTCTTCAGA-3'
Protein context (NP_006022.3, residues 656-676): QDGDLEADTE[Arg666Trp]AARVLGLETE

ClinVar aggregate classification (germline): Uncertain significance. Review status: criteria provided, multiple submitters, no conflicts (2 of 4 stars). 3 submissions from 3 submitters: Uncertain significance (2). 1 of the submissions does not count toward it. Last evaluated 2025-05-28.

Conditions:
Inborn genetic diseases. Identifiers: MedGen C0950123, MeSH D030342.
PCNT-related disorder. Also called: PCNT-related condition.

Allele frequency attached by ClinVar (database versions not stated): gnomAD exomes below 0.00001; TOPMed 0.00001; ExAC 0.00001.
gnomAD v4.1: 9 of 1,614,208 alleles (0.00056%); highest among the groups gnomAD compares: South Asian, 0.0033%; no homozygotes.

Submissions (3):

Ambry Genetics
Classification: Uncertain significance for Inborn genetic diseases. Last evaluated: 2025-05-28. Review status: criteria provided, single submitter. Criteria: Ambry Variant Classification Scheme 2023. Collection method: clinical testing. Allele origin: germline.

Labcorp Genetics (formerly Invitae), Labcorp
Classification: Uncertain significance. Last evaluated: 2021-12-01. Review status: criteria provided, single submitter. Criteria: Invitae Variant Classification Sherloc (09022015). Collection method: clinical testing. Allele origin: germline.
Comment: This sequence change replaces arginine, which is basic and polar, with tryptophan, which is neutral and slightly polar, at codon 666 of the PCNT protein (p.Arg666Trp). This variant is present in population databases (rs774325418, gnomAD 0.003%). This variant has not been reported in the literature in individuals affected with PCNT-related conditions. Algorithms developed to predict the effect of missense changes on protein structure and function (SIFT, PolyPhen-2, Align-GVGD) all suggest that this variant is likely to be tolerated. In summary, the available evidence is currently insufficient to determine the role of this variant in disease. Therefore, it has been classified as a Variant of Uncertain Significance.

PreventionGenetics, part of Exact Sciences
Classification: Uncertain significance for PCNT-related condition. Last evaluated: 2024-05-01. Review status: no assertion criteria provided. Collection method: clinical testing. Allele origin: germline. Not counted in ClinVar's aggregate classification.
Comment: The PCNT c.1996C>T variant is predicted to result in the amino acid substitution p.Arg666Trp. To our knowledge, this variant has not been reported in the literature. This variant is reported in 0.0033% of alleles in individuals of South Asian descent in gnomAD. At this time, the clinical significance of this variant is uncertain due to the absence of conclusive functional and genetic evidence.